The following is an entry in ClinVar:

NM_020778.5(ALPK3):c.4889C>T (p.Ala1630Val)

Gene: ALPK3 (alpha kinase 3; plus strand). Cytogenetic location: 15q25.3.
Variant type: single nucleotide variant.
Coding change: c.4889C>T on transcript NM_020778.5 (MANE Select); coding-DNA position 4889, C replaced by T.
Protein change: p.Ala1630Val; replaces alanine 1630 with valine.
Molecular consequence: missense variant.
Genome position (GRCh38, 1-based): chr15:84,868,227, C>T. VCF-style: chr15-84868227-C-T. GRCh37 (hg19) VCF-style: chr15-85411458-C-T.
Other names: short protein forms A1630V.
Identifiers: ClinVar variation 1505314 (VCV001505314.8), dbSNP rs748424712, ClinGen allele CA7710110.
Genomic context (GRCh38, chr15:84,868,227, plus strand): 5'-CCCACCAGTGCAATGCCTACTGTGAGCTGCTGGGGCTGACACCTCTCAAGGGCCCGGAGG[C>T]GGCCCACCCCCAAGCCAAAGCCAAAGGCTCTAAGAGTCCATCTGCTGGCAGGAAAGGCTC-3'
Protein context (NP_065829.4, residues 1620-1640): LGLTPLKGPE[Ala1630Val]AHPQAKAKGS

ClinVar aggregate classification (germline): Conflicting classifications of pathogenicity. Review status: criteria provided, conflicting classifications (1 of 4 stars). 2 submissions from 2 submitters: Uncertain significance (1); Likely benign (1). Last evaluated 2026-02-01.

Conditions:
Cardiovascular phenotype. Identifiers: MedGen CN230736.

Allele frequency attached by ClinVar (database versions not stated): TOPMed below 0.00001; ExAC 0.00001; gnomAD exomes 0.00001.
gnomAD v4.1: 23 of 1,614,154 alleles (0.0014%); highest among the groups gnomAD compares: Non-Finnish European, 0.0017%; no homozygotes.

Submissions (2):

Labcorp Genetics (formerly Invitae), Labcorp
Classification: Uncertain significance. Last evaluated: 2026-02-01. Review status: criteria provided, single submitter. Criteria: Invitae Variant Classification Sherloc (09022015). Collection method: clinical testing. Allele origin: germline.
Comment: This sequence change replaces alanine, which is neutral and non-polar, with valine, which is neutral and non-polar, at codon 1832 of the ALPK3 protein (p.Ala1832Val). This variant is present in population databases (rs748424712, gnomAD 0.003%). This variant has not been reported in the literature in individuals affected with ALPK3-related conditions. ClinVar contains an entry for this variant (Variation ID: 1505314). Invitae Evidence Modeling of protein sequence and biophysical properties (such as structural, functional, and spatial information, amino acid conservation, physicochemical variation, residue mobility, and thermodynamic stability) indicates that this missense variant is not expected to disrupt ALPK3 protein function with a negative predictive value of 80%. In summary, the available evidence is currently insufficient to determine the role of this variant in disease. Therefore, it has been classified as a Variant of Uncertain Significance.

Ambry Genetics
Classification: Likely benign for Cardiovascular phenotype. Last evaluated: 2022-02-11. Review status: criteria provided, single submitter. Criteria: Ambry Variant Classification Scheme 2023. Collection method: clinical testing. Allele origin: germline.